The following is an entry in ClinVar:

NM_144997.7(FLCN):c.8C>T (p.Ala3Val)

Gene: FLCN (folliculin; minus strand). Cytogenetic location: 17p11.2.
Variant type: single nucleotide variant.
Coding change: c.8C>T on transcript NM_144997.7 (MANE Select); coding-DNA position 8, C replaced by T.
Protein change: p.Ala3Val; replaces alanine 3 with valine.
Molecular consequence: missense variant.
Genome position (GRCh38, 1-based): chr17:17,228,130, G>A on the plus strand (C>T on the coding strand, the complement: FLCN is on the minus strand). VCF-style: chr17-17228130-G-A. GRCh37 (hg19) VCF-style: chr17-17131444-G-A.
Other names: c.8C>T, p.Ala3Val (NM_001353229.2, NM_001353230.2, NM_001353231.2 and 1 more transcripts); short protein forms A3V.
Identifiers: ClinVar variation 3515637 (VCV003515637.2).

ClinVar aggregate classification (germline): Uncertain significance. Review status: criteria provided, multiple submitters, no conflicts (2 of 4 stars). 2 submissions from 2 submitters: Uncertain significance (2). Last evaluated 2025-11-22.

Conditions:
Birt-Hogg-Dube syndrome. Also called: Birt Hogg Dubé syndrome. Identifiers: Orphanet 122, MedGen C0346010, MONDO:0800444.
Hereditary cancer-predisposing syndrome. Also called: Hereditary Cancer Syndrome; Hereditary neoplastic syndrome; Neoplastic Syndromes, Hereditary; Tumor predisposition. Identifiers: Orphanet 140162, MedGen C0027672, MeSH D009386, MONDO:0015356.

Submissions (2):

Labcorp Genetics (formerly Invitae), Labcorp
Classification: Uncertain significance for Birt-Hogg-Dube syndrome. Last evaluated: 2025-11-22. Review status: criteria provided, single submitter. Criteria: Invitae Variant Classification Sherloc (09022015). Collection method: clinical testing. Allele origin: germline.
Comment: This sequence change replaces alanine, which is neutral and non-polar, with valine, which is neutral and non-polar, at codon 3 of the FLCN protein (p.Ala3Val). This variant is not present in population databases (gnomAD no frequency). This variant has not been reported in the literature in individuals affected with FLCN-related conditions. ClinVar contains an entry for this variant (Variation ID: 3515637). Invitae Evidence Modeling of protein sequence and biophysical properties (such as structural, functional, and spatial information, amino acid conservation, physicochemical variation, residue mobility, and thermodynamic stability) indicates that this missense variant is expected to disrupt FLCN protein function with a positive predictive value of 80%. In summary, the available evidence is currently insufficient to determine the role of this variant in disease. Therefore, it has been classified as a Variant of Uncertain Significance.

Ambry Genetics
Classification: Uncertain significance for Hereditary cancer-predisposing syndrome. Last evaluated: 2024-08-12. Review status: criteria provided, single submitter. Criteria: Ambry Variant Classification Scheme 2023. Collection method: clinical testing. Allele origin: germline.
Comment: The p.A3V variant (also known as c.8C>T), located in coding exon 1 of the FLCN gene, results from a C to T substitution at nucleotide position 8. The alanine at codon 3 is replaced by valine, an amino acid with similar properties. This amino acid position is conserved. In addition, this alteration is predicted to be deleterious by in silico analysis. Based on the available evidence, the clinical significance of this variant remains unclear.